The following is an entry in ClinVar:

ClinVar aggregate classification (germline): Uncertain significance (1 of 4 stars; one submission).

Conditions:
Cardiovascular phenotype. Identifiers: MedGen CN230736.

Submission:

Ambry Genetics
Classification: Uncertain significance for Cardiovascular phenotype. Last evaluated: 2026-03-01. Review status: criteria provided, single submitter. Criteria: Ambry Variant Classification Scheme 2023. Collection method: clinical testing. Allele origin: germline.
Comment: The p.M3919L variant (also known as c.11755A>C), located in coding exon 45 of the ANK2 gene, results from an A to C substitution at nucleotide position 11755. The methionine at codon 3919 is replaced by leucine, an amino acid with highly similar properties. This amino acid position is conserved. In addition, this alteration is predicted to be tolerated by in silico analysis. Based on the available evidence, the clinical significance of this variant remains unclear.

NM_001148.6(ANK2):c.11755A>C (p.Met3919Leu)

Gene: ANK2 (ankyrin 2; plus strand). Cytogenetic location: 4q26.
Variant type: single nucleotide variant.
Coding change: c.11755A>C on transcript NM_001148.6 (MANE Select); coding-DNA position 11755, A replaced by C.
Protein change: p.Met3919Leu; replaces methionine 3919 with leucine.
Molecular consequence: missense variant. On other transcripts: intron variant (9).
Genome position (GRCh38, 1-based): chr4:113,373,345, A>C. VCF-style: chr4-113373345-A-C. GRCh37 (hg19) VCF-style: chr4-114294501-A-C.
Other names: c.5374A>C, p.Met1792Leu (NM_001386146.1, NM_001386150.1); c.5326A>C, p.Met1776Leu (NM_001386147.1); c.5485A>C, p.Met1829Leu (NM_001386148.2, NM_001386186.2); c.5281A>C, p.Met1761Leu (NM_001386149.1, NM_001386153.1); c.5308A>C, p.Met1770Leu (NM_001386151.1); c.5266A>C, p.Met1756Leu (NM_001386154.1); c.5239A>C, p.Met1747Leu (NM_001386156.1, NM_001354257.2); c.5116A>C, p.Met1706Leu (NM_001386157.1); and 50 more; short protein forms M1017L, M1022L, M1673L, M1759L, M1770L, M1789L, M1829L, M1838L.
Identifiers: ClinVar variation 4826622 (VCV004826622.1).